The following is an entry in ClinVar:

ClinVar aggregate classification (germline): Uncertain significance (1 of 4 stars; one submission).

Conditions:
Inborn genetic diseases. Identifiers: MedGen C0950123, MeSH D030342.

Submission:

Ambry Genetics
Classification: Uncertain significance for Inborn genetic diseases. Last evaluated: 2026-06-13. Review status: criteria provided, single submitter. Criteria: Ambry Variant Classification Scheme 2023. Collection method: clinical testing. Allele origin: germline.
Comment: The p.N810D variant (also known as c.2428A>G), located in coding exon 20 of the DNMT3A gene, results from an A to G substitution at nucleotide position 2428. The asparagine at codon 810 is replaced by aspartic acid, an amino acid with highly similar properties. This amino acid position is conserved. In addition, the in silico prediction for this alteration is inconclusive. Based on the available evidence, the clinical significance of this variant remains unclear.

NM_022552.5(DNMT3A):c.2428A>G (p.Asn810Asp)

Gene: DNMT3A (DNA methyltransferase 3 alpha; minus strand). Cytogenetic location: 2p23.3.
Variant type: single nucleotide variant.
Coding change: c.2428A>G on transcript NM_022552.5 (MANE Select); coding-DNA position 2428, A replaced by G.
Protein change: p.Asn810Asp; replaces asparagine 810 with aspartic acid.
Molecular consequence: missense variant. On other transcripts: non-coding transcript variant (1).
Genome position (GRCh38, 1-based): chr2:25,236,986, T>C on the plus strand (A>G on the coding strand, the complement: DNMT3A is on the minus strand). VCF-style: chr2-25236986-T-C. GRCh37 (hg19) VCF-style: chr2-25459855-T-C.
Other names: c.1861A>G, p.Asn621Asp (NM_153759.3); c.2428A>G, p.Asn810Asp (NM_175629.2); c.1972A>G, p.Asn658Asp (NM_001320893.1); c.1759A>G, p.Asn587Asp (NM_001375819.1); short protein forms N587D, N621D, N658D, N810D.
Identifiers: ClinVar variation 4870053 (VCV004870053.1).